The following is an entry in ClinVar:

NM_004360.5(CDH1):c.2421T>C (p.Ile807=)

Gene: CDH1 (cadherin 1; plus strand). Cytogenetic location: 16q22.1.
Variant type: single nucleotide variant.
Coding change: c.2421T>C on transcript NM_004360.5 (MANE Select); coding-DNA position 2421, T replaced by C.
Protein change: p.Ile807=; no amino-acid change (isoleucine 807 retained).
Molecular consequence: synonymous variant.
Genome position (GRCh38, 1-based): chr16:68,829,779, T>C. VCF-style: chr16-68829779-T-C. GRCh37 (hg19) VCF-style: chr16-68863682-T-C.
Other names: c.2421T>C (LRG_301t1); c.2238T>C, p.Ile746= (NM_001317184.2); c.873T>C, p.Ile291= (NM_001317185.2); c.456T>C, p.Ile152= (NM_001317186.2).
Identifiers: ClinVar variation 184577 (VCV000184577.16), dbSNP rs761852331, ClinGen allele CA189348.

ClinVar aggregate classification (germline): Benign/Likely benign. Review status: criteria provided, multiple submitters, no conflicts (2 of 4 stars). 5 submissions from 5 submitters: Benign (1); Likely benign (4). Last evaluated 2025-12-10.

Conditions:
Hereditary cancer-predisposing syndrome. Also called: Tumor predisposition; Hereditary Cancer Syndrome; Hereditary neoplastic syndrome; Neoplastic Syndromes, Hereditary. Identifiers: Orphanet 140162, MedGen C0027672, MeSH D009386, MONDO:0015356.
Hereditary diffuse gastric adenocarcinoma (HDGC). Also called: DIFFUSE GASTRIC AND LOBULAR BREAST CANCER SYNDROME. Identifiers: Orphanet 26106, MedGen C1708349, MONDO:0007648, OMIM 137215.

Allele frequency attached by ClinVar (database versions not stated): gnomAD 0.00001.
gnomAD v4.1: 1 of 1,613,840 alleles (0.000062%); highest among the groups gnomAD compares: African/African-American, 0.0013%; no homozygotes.

Submissions (5):

Labcorp Genetics (formerly Invitae), Labcorp
Classification: Likely benign for Hereditary diffuse gastric adenocarcinoma. Last evaluated: 2025-12-10. Review status: criteria provided, single submitter. Criteria: Invitae Variant Classification Sherloc (09022015). Collection method: clinical testing. Allele origin: germline.

Ambry Genetics
Classification: Likely benign for Hereditary cancer-predisposing syndrome. Last evaluated: 2025-02-12. Review status: criteria provided, single submitter. Criteria: Ambry Variant Classification Scheme 2023. Collection method: clinical testing. Allele origin: germline.

Myriad Genetics, Inc.
Classification: Benign for Hereditary diffuse gastric adenocarcinoma. Last evaluated: 2024-09-23. Review status: criteria provided, single submitter. Criteria: Myriad Autosomal Dominant, Autosomal Recessive and X-Linked Classification Criteria (2023). Collection method: clinical testing. Allele origin: unknown.
Comment: This variant is considered benign. This variant is a silent/synonymous amino acid change and it is not expected to impact splicing.

Color Diagnostics, LLC DBA Color Health
Classification: Likely benign for Hereditary cancer-predisposing syndrome. Last evaluated: 2024-07-15. Review status: criteria provided, single submitter. Criteria: ACMG Guidelines, 2015. Collection method: clinical testing. Allele origin: germline.

GeneDx
Classification: Likely benign. Last evaluated: 2019-09-30. Review status: criteria provided, single submitter. Criteria: GeneDx Variant Classification Process June 2021. Collection method: clinical testing. Allele origin: germline. Affected: yes.